The following is an entry in ClinVar:

ClinVar aggregate classification (germline): Uncertain significance (1 of 4 stars; one submission).

Conditions:
CHARGE syndrome (CHARGE). Also called: Hittner Hirsch Kreh syndrome; CHARGE ASSOCIATION--COLOBOMA, HEART ANOMALY, CHOANAL ATRESIA, RETARDATION, GENITAL AND EAR ANOMALIES; Coloboma, heart anomaly, choanal atresia, retardation, genital and ear anomalies; CHARGE association; Hall-Hittner syndrome. Identifiers: Orphanet 138, MedGen C0265354, MONDO:0008965.

Submission:

Labcorp Genetics (formerly Invitae), Labcorp
Classification: Uncertain significance for CHARGE syndrome. Last evaluated: 2025-05-21. Review status: criteria provided, single submitter. Criteria: Invitae Variant Classification Sherloc (09022015). Collection method: clinical testing. Allele origin: germline.
Comment: This sequence change replaces glycine, which is neutral and non-polar, with serine, which is neutral and polar, at codon 38 of the CHD7 protein (p.Gly38Ser). This variant is not present in population databases (gnomAD no frequency). This variant has not been reported in the literature in individuals affected with CHD7-related conditions. Invitae Evidence Modeling of protein sequence and biophysical properties (such as structural, functional, and spatial information, amino acid conservation, physicochemical variation, residue mobility, and thermodynamic stability) indicates that this missense variant is not expected to disrupt CHD7 protein function with a negative predictive value of 95%. In summary, the available evidence is currently insufficient to determine the role of this variant in disease. Therefore, it has been classified as a Variant of Uncertain Significance.

NM_017780.4(CHD7):c.112G>A (p.Gly38Ser)

Gene: CHD7 (chromodomain helicase DNA binding protein 7; plus strand). Cytogenetic location: 8q12.2.
Variant type: single nucleotide variant.
Coding change: c.112G>A on transcript NM_017780.4 (MANE Select); coding-DNA position 112, G replaced by A.
Protein change: p.Gly38Ser; replaces glycine 38 with serine.
Molecular consequence: missense variant.
Genome position (GRCh38, 1-based): chr8:60,741,544, G>A. VCF-style: chr8-60741544-G-A. GRCh37 (hg19) VCF-style: chr8-61654103-G-A.
Other names: c.112G>A, p.Gly38Ser (NM_001316690.1); short protein forms G38S.
Identifiers: ClinVar variation 4802738 (VCV004802738.1).